The following is an entry in ClinVar:

NM_000532.5(PCCB):c.-1_17dup (p.Arg6_Val7insMetAlaAlaAlaLeuArg)

Gene: PCCB (propionyl-CoA carboxylase subunit beta; plus strand). Cytogenetic location: 3q22.3.
Variant type: Duplication.
Coding change: c.-1_17dup on transcript NM_000532.5 (MANE Select); 1 bases upstream of the start codon through coding-DNA position 17, 18 bases duplicated (AATGGCGGCGGCATTACG).
Protein change: p.Arg6_Val7insMetAlaAlaAlaLeuArg.
Molecular consequence: inframe insertion, initiator codon variant.
Genome position (GRCh38, 1-based): chr3:136,250,375-136,250,392, AATGGCGGCGGCATTACG duplicated. VCF-style (leftmost placement, unchanged base first): chr3-136250374-A-AAATGGCGGCGGCATTACG. GRCh37 (hg19) VCF-style: chr3-135969216-A-AAATGGCGGCGGCATTACG.
Other names: c.-1_17dup, p.Arg6_Val7insMetAlaAlaAlaLeuArg (NM_001178014.2).
Identifiers: ClinVar variation 4814324 (VCV004814324.1).

ClinVar aggregate classification (germline): Likely pathogenic (1 of 4 stars; one submission).

Conditions:
Propionic acidemia (PROP). Also called: GLYCINEMIA, KETOTIC; HYPERGLYCINEMIA WITH KETOACIDOSIS AND LEUKOPENIA; KETOTIC HYPERGLYCINEMIA. Identifiers: Orphanet 35, MedGen C0268579, MONDO:0011628, OMIM 606054, HP:0003571.

Submission:

Natera, Inc.
Classification: Likely pathogenic for Propionic acidemia. Last evaluated: 2026-01-30. Review status: criteria provided, single submitter. Criteria: Natera Variant Classification Schema (03/2026). Collection method: clinical testing. Allele origin: germline.
Comment: The c.-1_17dup variant in PCCB is predicted to result in start loss due to disruption of the initiator methionine. This variant is expected to result in nonsense mediated decay, truncation, or a dysfunctional protein product. This variant is rare in the general population with a frequency below the threshold expected for the associated phenotype(s). Given the available evidence, this variant is classified as Likely Pathogenic.